The following is an entry in ClinVar:

ClinVar aggregate classification (germline): Benign. Review status: criteria provided, multiple submitters, no conflicts (2 of 4 stars). 16 submissions from 14 submitters: Benign (13). 3 of the submissions do not count toward it. Last evaluated 2026-02-03.

Conditions:
Retinal dystrophy. Also called: Inherited retinal dystrophy. Identifiers: Orphanet 71862, MedGen C0854723, MeSH D058499, MONDO:0019118, HP:0000556.
Retinitis pigmentosa (RP). Identifiers: Orphanet 791, MedGen C0035334, MeSH D012174, MONDO:0019200, OMIM 268000. Inheritance: Autosomal dominant, autosomal recessive and X linked inheritance.
Vitelliform macular dystrophy 2. Also called: Best Macular Dystrophy; Best vitelliform macular dystrophy, multifocal; Best Vitelliform Macular Dystrophy (BVMD); MACULAR DEGENERATION, POLYMORPHIC VITELLINE; VITELLIFORM MACULAR DYSTROPHY, EARLY-ONSET; VITELLIFORM MACULAR DYSTROPHY, JUVENILE-ONSET. Identifiers: Orphanet 1243, MedGen C2745945, MONDO:0007931, OMIM 153700.
Autosomal dominant vitreoretinochoroidopathy. Also called: VITREORETINOCHOROIDOPATHY, AUTOSOMAL DOMINANT, WITH NANOPHTHALMOS; Autosomal Dominant Vitreoretinochoroidopathy (ADVIRC); VITREORETINOCHOROIDOPATHY WITH MICROCORNEA, GLAUCOMA, AND CATARACT. Identifiers: Orphanet 263347, Orphanet 3086, MedGen C3888099, MONDO:0008662, OMIM 193220.
Autosomal recessive bestrophinopathy. Also called: Autosomal Recessive Bestrophinopathy (ARB). Identifiers: Orphanet 139455, MedGen C3888198, MONDO:0012733, OMIM 611809.
Retinitis pigmentosa 50 (RP50). Also called: Retinitis pigmentosa, concentric. Identifiers: Orphanet 791, MedGen C2750789, MONDO:0013175, OMIM 613194.

Allele frequency attached by ClinVar (database versions not stated): ESP Exome Variant Server 0.07653; gnomAD 0.10271 and 0.12508; gnomAD exomes 0.12571 and 0.20514; TOPMed 0.13118; ExAC 0.20237; 1000 Genomes Project 30x 0.30543; 1000 Genomes Project 0.31749.
gnomAD v4.1: 203,764 of 1,614,080 alleles (13%); highest among the groups gnomAD compares: East Asian, 74%; 31,666 homozygotes.

Submissions (16):

Labcorp Genetics (formerly Invitae), Labcorp
Classification: Benign. Last evaluated: 2026-02-03. Review status: criteria provided, single submitter. Criteria: Invitae Variant Classification Sherloc (09022015). Collection method: clinical testing. Allele origin: germline.

Blueprint Genetics
Classification: Benign. Last evaluated: 2024-11-27. Review status: criteria provided, single submitter. Criteria: ACMG Guidelines, 2015. Collection method: clinical testing. Allele origin: germline.

ARUP Laboratories, Molecular Genetics and Genomics, ARUP Laboratories
Classification: Benign. Last evaluated: 2023-11-29. Review status: criteria provided, single submitter. Criteria: ARUP Molecular Germline Variant Investigation Process 2024. Collection method: clinical testing. Allele origin: germline.

Dept Of Ophthalmology, Nagoya University
Classification: Benign for Retinal dystrophy. Last evaluated: 2023-10-01. Review status: criteria provided, single submitter. Criteria: Submitter's publication. Collection method: research. Allele origin: germline. Affected: yes.

Fulgent Genetics
Classification: Benign for Vitelliform macular dystrophy 2; Autosomal dominant vitreoretinochoroidopathy; Autosomal recessive bestrophinopathy; Retinitis pigmentosa 50. Last evaluated: 2022-01-27. Review status: criteria provided, single submitter. Criteria: ACMG Guidelines, 2015. Collection method: clinical testing. Allele origin: unknown.

Mendelics
Classification: Benign for Vitelliform macular dystrophy 2. Last evaluated: 2019-05-28. Review status: criteria provided, single submitter. Criteria: Mendelics Assertion Criteria 2017. Collection method: clinical testing. Allele origin: unknown.

Illumina Laboratory Services, Illumina
Classification: Benign for Retinitis pigmentosa. Last evaluated: 2018-01-12. Review status: criteria provided, single submitter. Criteria: ICSL Variant Classification Criteria 13 December 2019. Collection method: clinical testing. Allele origin: germline.
Comment: This variant was observed in the ICSL laboratory as part of a predisposition screen in an ostensibly healthy population. It had not been previously curated by ICSL or reported in the Human Gene Mutation Database (HGMD: prior to June 1st, 2018), and was therefore a candidate for classification through an automated scoring system. Utilizing variant allele frequency, disease prevalence and penetrance estimates, and inheritance mode, an automated score was calculated to assess if this variant is too frequent to cause the disease. Based on the score and internal cut-off values, a variant classified as benign is not then subjected to further curation. The score for this variant resulted in a classification of benign for this disease.

Illumina Laboratory Services, Illumina
Classification: Benign for Autosomal dominant vitreoretinochoroidopathy. Last evaluated: 2018-01-12. Review status: criteria provided, single submitter. Criteria: ICSL Variant Classification Criteria 13 December 2019. Collection method: clinical testing. Allele origin: germline.
Comment: the same text as in the submission from Illumina Laboratory Services, Illumina above.

Illumina Laboratory Services, Illumina
Classification: Benign for Vitelliform macular dystrophy 2. Last evaluated: 2018-01-12. Review status: criteria provided, single submitter. Criteria: ICSL Variant Classification Criteria 13 December 2019. Collection method: clinical testing. Allele origin: germline.
Comment: the same text as in the submission from Illumina Laboratory Services, Illumina above.

GeneDx
Classification: Benign. Last evaluated: 2015-03-03. Review status: criteria provided, single submitter. Criteria: GeneDx Variant Classification Process June 2021. Collection method: clinical testing. Allele origin: germline. Affected: yes.
Comment: This variant is associated with the following publications: (PMID: 32207364)

Eurofins Ntd Llc (ga)
Classification: Benign. Last evaluated: 2014-04-15. Review status: criteria provided, single submitter. Criteria: EGL Classification Definitions 2015. Collection method: clinical testing. Allele origin: germline. Observed: 1 variant allele, 1 heterozygote.

Breakthrough Genomics
Classification: Benign. Review status: criteria provided, single submitter. Criteria: ACMG Guidelines, 2015. Collection method: not provided. Allele origin: germline. Inheritance: Autosomal dominant inheritance. Affected: yes.

PreventionGenetics, part of Exact Sciences
Classification: Benign. Review status: criteria provided, single submitter. Criteria: ACMG Guidelines, 2015. Collection method: clinical testing. Allele origin: germline.

Diagnostic Laboratory, Department of Genetics, University Medical Center Groningen
Classification: Benign. Review status: no assertion criteria provided. Collection method: clinical testing. Allele origin: germline. Affected: yes. Study: VKGL Data-share Consensus. Not counted in ClinVar's aggregate classification.

Joint Genome Diagnostic Labs from Nijmegen and Maastricht, Radboudumc and MUMC+
Classification: Benign. Review status: no assertion criteria provided. Collection method: clinical testing. Allele origin: germline. Affected: yes. Study: VKGL Data-share Consensus. Not counted in ClinVar's aggregate classification.

Retina International
No classification provided. Review status: no classification provided. Collection method: not provided. Allele origin: unknown. Not counted in ClinVar's aggregate classification.

NM_004183.4(BEST1):c.219C>A (p.Ile73=)

Gene: BEST1 (bestrophin 1; plus strand). Cytogenetic location: 11q12.3.
Variant type: single nucleotide variant.
Coding change: c.219C>A on transcript NM_004183.4 (MANE Select); coding-DNA position 219, C replaced by A.
Protein change: p.Ile73=; no amino-acid change (isoleucine 73 retained).
Molecular consequence: synonymous variant. On other transcripts: non-coding transcript variant (1).
Genome position (GRCh38, 1-based): chr11:61,955,173, C>A. VCF-style: chr11-61955173-C-A. GRCh37 (hg19) VCF-style: chr11-61722645-C-A.
Other names: c.39C>A, p.Ile13= (NM_001139443.3, NM_001300786.2, NM_001300787.2); c.219C>A, p.Ile73= (NM_001363592.2).
Identifiers: ClinVar variation 99693 (VCV000099693.39), dbSNP rs1109748, ClinGen allele CA179805.